The following is an entry in ClinVar:

ClinVar aggregate classification (germline): Uncertain significance. Review status: criteria provided, multiple submitters, no conflicts (2 of 4 stars). 2 submissions from 2 submitters: Uncertain significance (2). Last evaluated 2023-12-28.

Submissions (2):

Women's Health and Genetics/Laboratory Corporation of America, LabCorp
Classification: Uncertain significance. Last evaluated: 2023-12-28. Review status: criteria provided, single submitter. Criteria: LabCorp Variant Classification Summary - May 2015. Collection method: clinical testing. Allele origin: germline.
Comment: Variant summary: ZNF462 c.5313G>C (p.Leu1771Phe) results in a non-conservative amino acid change located in the Zinc finger C2H2-type (IPR013087) of the encoded protein sequence. Four of five in-silico tools predict a damaging effect of the variant on protein function. The variant was absent in 251464 control chromosomes. The available data on variant occurrences in the general population are insufficient to allow any conclusion about variant significance. To our knowledge, no occurrence of c.5313G>C in individuals affected with Weiss-Kruszka Syndrome and no experimental evidence demonstrating its impact on protein function have been reported. One submitter has cited clinical-significance assessments for this variant to ClinVar after 2014 and has classified the variant as uncertain significance. Based on the evidence outlined above, the variant was classified as uncertain significance.

GeneDx
Classification: Uncertain significance. Last evaluated: 2019-07-26. Review status: criteria provided, single submitter. Criteria: GeneDx Variant Classification Process June 2021. Collection method: clinical testing. Allele origin: germline. Affected: yes.
Comment: Not observed in large population cohorts (Lek et al., 2016); In silico analysis, which includes protein predictors and evolutionary conservation, supports that this variant does not alter protein structure/function; Has not been previously published as pathogenic or benign to our knowledge

NM_021224.6(ZNF462):c.5313G>C (p.Leu1771Phe)

Gene: ZNF462 (zinc finger protein 462; plus strand). Cytogenetic location: 9q31.2.
Variant type: single nucleotide variant.
Coding change: c.5313G>C on transcript NM_021224.6 (MANE Select); coding-DNA position 5313, G replaced by C.
Protein change: p.Leu1771Phe; replaces leucine 1771 with phenylalanine.
Molecular consequence: missense variant. On other transcripts: intron variant (1).
Genome position (GRCh38, 1-based): chr9:106,929,225, G>C. VCF-style: chr9-106929225-G-C. GRCh37 (hg19) VCF-style: chr9-109691506-G-C.
Other names: c.3253-1300G>C (NM_001347997.2); short protein forms L1771F.
Identifiers: ClinVar variation 1302373 (VCV001302373.3), dbSNP rs2131512078, ClinGen allele CA374414289.